The following is an entry in ClinVar:

ClinVar aggregate classification (germline): Likely pathogenic. Review status: criteria provided, multiple submitters, no conflicts (2 of 4 stars). 2 submissions from 2 submitters: Likely pathogenic (2). Last evaluated 2024-06-05.

Conditions:
Glycogen storage disease, type VII (GSD7). Also called: GSD VII; MUSCLE PHOSPHOFRUCTOKINASE DEFICIENCY; PFKM DEFICIENCY; TARUI DISEASE. Identifiers: Orphanet 371, MedGen C0017926, MONDO:0009295, OMIM 232800.

Allele frequency attached by ClinVar (database versions not stated): ExAC 0.00003; TOPMed 0.00003; gnomAD 0.00005.
gnomAD v4.1: 28 of 1,613,872 alleles (0.0017%); highest among the groups gnomAD compares: Admixed American, 0.0017%; no homozygotes.

Submissions (2):

Labcorp Genetics (formerly Invitae), Labcorp
Classification: Likely pathogenic for Glycogen storage disease, type VII. Last evaluated: 2024-06-05. Review status: criteria provided, single submitter. Criteria: Invitae Variant Classification Sherloc (09022015). Collection method: clinical testing. Allele origin: germline.
Comment: This sequence change replaces arginine, which is basic and polar, with glutamine, which is neutral and polar, at codon 39 of the PFKM protein (p.Arg39Gln). This variant is present in population databases (rs121918193, gnomAD 0.02%). This missense change has been observed in individual(s) with glycogen storage disease type VII (PMID: 27066546). ClinVar contains an entry for this variant (Variation ID: 2137355). Advanced modeling of protein sequence and biophysical properties (such as structural, functional, and spatial information, amino acid conservation, physicochemical variation, residue mobility, and thermodynamic stability) performed at Invitae indicates that this missense variant is expected to disrupt PFKM protein function with a positive predictive value of 80%. This variant disrupts the p.Arg39 amino acid residue in PFKM. Other variant(s) that disrupt this residue have been observed in individuals with PFKM-related conditions (PMID: 7513946, 8037209), which suggests that this may be a clinically significant amino acid residue. In summary, the currently available evidence indicates that the variant is pathogenic, but additional data are needed to prove that conclusively. Therefore, this variant has been classified as Likely Pathogenic.

Mayo Clinic Laboratories, Mayo Clinic
Classification: Likely pathogenic. Last evaluated: 2023-08-09. Review status: criteria provided, single submitter. Criteria: ACMG Guidelines, 2015. Collection method: clinical testing. Allele origin: germline. Observed: 1 variant allele.
Comment: PP1, PP3, PP4, PM2_moderate, PM5

Literature cited by the submitters: PubMed 27066546 (cited by Labcorp Genetics (formerly Invitae), Labcorp and Mayo Clinic Laboratories, Mayo Clinic); PubMed 7513946 (cited by Labcorp Genetics (formerly Invitae), Labcorp); PubMed 8037209 (cited by Labcorp Genetics (formerly Invitae), Labcorp); PubMed 27303362 (cited by Mayo Clinic Laboratories, Mayo Clinic).

NM_000289.6(PFKM):c.116G>A (p.Arg39Gln)

Gene: PFKM (phosphofructokinase, muscle; plus strand). Cytogenetic location: 12q13.11.
Variant type: single nucleotide variant.
Coding change: c.116G>A on transcript NM_000289.6 (MANE Select); coding-DNA position 116, G replaced by A.
Protein change: p.Arg39Gln; replaces arginine 39 with glutamine.
Molecular consequence: missense variant. On other transcripts: non-coding transcript variant (4), intron variant (2).
Genome position (GRCh38, 1-based): chr12:48,130,393, G>A. VCF-style: chr12-48130393-G-A. GRCh37 (hg19) VCF-style: chr12-48524176-G-A.
Other names: p.Arg39Gln; c.329G>A, p.Arg110Gln (NM_001166686.2, NM_001354737.1, NM_001354738.1 and 1 more transcripts); c.116G>A, p.Arg39Gln (NM_001166687.2, NM_001166688.2, NM_001354742.2 and 4 more transcripts); c.425G>A, p.Arg142Gln (NM_001354735.1, NM_001354736.1); c.260G>A, p.Arg87Gln (NM_001354740.1); c.140G>A, p.Arg47Gln (NM_001354741.2); c.29G>A, p.Arg10Gln (NM_001354745.2); c.10-923G>A (NM_001354747.2, NM_001354748.2); short protein forms R10Q, R110Q, R47Q, R39Q, R142Q, R87Q.
Identifiers: ClinVar variation 2137355 (VCV002137355.8), dbSNP rs121918193, ClinGen allele CA6536889.